The following is an entry in ClinVar:

ClinVar aggregate classification (germline): Conflicting classifications of pathogenicity. Review status: criteria provided, conflicting classifications (1 of 4 stars). 8 submissions from 8 submitters: Uncertain significance (4); Likely benign (4). Last evaluated 2026-10-04.

Conditions:
Inborn genetic diseases. Identifiers: MedGen C0950123, MeSH D030342.
Fraser syndrome 1 (FRASRS1). Also called: CRYPTOPHTHALMOS WITH OTHER MALFORMATIONS. Identifiers: Orphanet 2052, MedGen C4551480, MONDO:0054737, OMIM 219000.

Allele frequency attached by ClinVar (database versions not stated): TOPMed 0.00254; gnomAD 0.00252 and 0.00238; ESP Exome Variant Server 0.00329; 1000 Genomes Project 0.00379; gnomAD exomes 0.00068; ExAC 0.00085; 1000 Genomes Project 30x 0.00390.
gnomAD v4.1: 731 of 1,613,148 alleles (0.045%); highest among the groups gnomAD compares: African/African-American, 0.82%; 4 homozygotes.

Submissions (8):

GeneDx
Classification: Uncertain significance. Last evaluated: 2026-10-04. Review status: criteria provided, single submitter. Criteria: GeneDx Variant Classification Process June 2021. Collection method: clinical testing. Allele origin: germline.
Comment: In silico analysis supports that this missense variant has a deleterious effect on protein structure/function; Has not been previously published as pathogenic or benign to our knowledge

Labcorp Genetics (formerly Invitae), Labcorp
Classification: Likely benign. Last evaluated: 2026-01-31. Review status: criteria provided, single submitter. Criteria: Invitae Variant Classification Sherloc (09022015). Collection method: clinical testing. Allele origin: germline.

Ambry Genetics
Classification: Uncertain significance for Inborn genetic diseases. Last evaluated: 2025-08-03. Review status: criteria provided, single submitter. Criteria: Ambry Variant Classification Scheme 2023. Collection method: clinical testing. Allele origin: germline.

Mayo Clinic Laboratories, Mayo Clinic
Classification: Likely benign. Last evaluated: 2025-03-05. Review status: criteria provided, single submitter. Criteria: ACMG Guidelines, 2015. Collection method: clinical testing. Allele origin: germline. Observed: 1 variant allele.
Comment: BS1

Blueprint Genetics
Classification: Uncertain significance. Last evaluated: 2024-11-25. Review status: criteria provided, single submitter. Criteria: ACMG Guidelines, 2015. Collection method: clinical testing. Allele origin: germline.

Genetic Services Laboratory, University of Chicago
Classification: Uncertain significance. Last evaluated: 2019-08-21. Review status: criteria provided, single submitter. Criteria: ACMG Guidelines, 2015. Collection method: clinical testing. Allele origin: germline. Affected: no.

Eurofins Ntd Llc (ga)
Classification: Likely benign. Last evaluated: 2018-03-29. Review status: criteria provided, single submitter. Criteria: EGL ClinVar v180209 classification definitions. Collection method: clinical testing. Allele origin: germline. Observed: 1 variant allele, 1 heterozygote.

Illumina Laboratory Services, Illumina
Classification: Likely benign for Fraser syndrome 1. Last evaluated: 2018-01-12. Review status: criteria provided, single submitter. Criteria: ICSL Variant Classification Criteria 13 December 2019. Collection method: clinical testing. Allele origin: germline.
Comment: This variant was observed in the ICSL laboratory as part of a predisposition screen in an ostensibly healthy population. It had not been previously curated by ICSL or reported in the Human Gene Mutation Database (HGMD: prior to June 1st, 2018), and was therefore a candidate for classification through an automated scoring system. Utilizing variant allele frequency, disease prevalence and penetrance estimates, and inheritance mode, an automated score was calculated to assess if this variant is too frequent to cause the disease. Based on the score and internal cut-off values, a variant classified as likely benign is not then subjected to further curation. The score for this variant resulted in a classification of likely benign for this disease.

NM_025074.7(FRAS1):c.2861C>T (p.Thr954Met)

Gene: FRAS1 (Fraser extracellular matrix complex subunit 1; plus strand). Cytogenetic location: 4q21.21.
Variant type: single nucleotide variant.
Coding change: c.2861C>T on transcript NM_025074.7 (MANE Select); coding-DNA position 2861, C replaced by T.
Protein change: p.Thr954Met; replaces threonine 954 with methionine.
Molecular consequence: missense variant.
Genome position (GRCh38, 1-based): chr4:78,369,976, C>T. VCF-style: chr4-78369976-C-T. GRCh37 (hg19) VCF-style: chr4-79291130-C-T.
Other names: p.Thr954Met; c.2861C>T, p.Thr954Met (NM_001166133.2); short protein forms T954M.
Identifiers: ClinVar variation 596477 (VCV000596477.26), dbSNP rs17003166, ClinGen allele CA2976754.
Genomic context (GRCh38, chr4:78,369,976, plus strand): 5'-TTGGGGAATGTCAATACGAGAGCTGCGCCCCACAGTACTATCTTGACTTCTCCACCAACA[C>T]GTGCAAAGGTAAAGCTCTTCCTGAATTGTGTAAAGATTCTTTTACACAGTGATACCACTT-3'
Protein context (NP_079350.5, residues 944-964): PQYYLDFSTN[Thr954Met]CKECDWSCSA